The following is an entry in ClinVar:

ClinVar aggregate classification (germline): Likely benign (1 of 4 stars; one submission).

Allele frequency attached by ClinVar (database versions not stated): gnomAD 0.00001; gnomAD exomes 0.00002; TOPMed 0.00002.
gnomAD v4.1: 33 of 1,613,830 alleles (0.002%); highest among the groups gnomAD compares: South Asian, 0.0088%; no homozygotes.

Submission:

CeGaT Center for Human Genetics Tuebingen
Classification: Likely benign. Last evaluated: 2024-01-01. Review status: criteria provided, single submitter. Criteria: CeGaT Center For Human Genetics Tuebingen Variant Classification Criteria Version 2. Collection method: clinical testing. Allele origin: germline. Affected: yes. Observed: 1 variant allele.
Comment: PARD3B: BP4, BP7

NM_001302769.2(PARD3B):c.2307G>A (p.Pro769=)

Gene: PARD3B (par-3 family cell polarity regulator beta; plus strand). Cytogenetic location: 2q33.3.
Variant type: single nucleotide variant.
Coding change: c.2307G>A on transcript NM_001302769.2 (MANE Select); coding-DNA position 2307, G replaced by A.
Protein change: p.Pro769=; no amino-acid change (proline 769 retained).
Molecular consequence: synonymous variant. On other transcripts: intron variant (1).
Genome position (GRCh38, 1-based): chr2:205,300,651, G>A. VCF-style: chr2-205300651-G-A. GRCh37 (hg19) VCF-style: chr2-206165375-G-A.
Other names: c.2121G>A, p.Pro707= (NM_152526.6); c.2307G>A, p.Pro769= (NM_205863.4); c.2186-813G>A (NM_057177.7).
Identifiers: ClinVar variation 3025757 (VCV003025757.22), dbSNP rs928737378, ClinGen allele CA64316909.